The following is an entry in ClinVar:

NM_001365951.3(KIF1B):c.2565G>A (p.Met855Ile)

Gene: KIF1B (kinesin family member 1B; plus strand). Cytogenetic location: 1p36.22.
Variant type: single nucleotide variant.
Coding change: c.2565G>A on transcript NM_001365951.3 (MANE Select); coding-DNA position 2565, G replaced by A.
Protein change: p.Met855Ile; replaces methionine 855 with isoleucine.
Molecular consequence: missense variant.
Genome position (GRCh38, 1-based): chr1:10,324,785, G>A. VCF-style: chr1-10324785-G-A. GRCh37 (hg19) VCF-style: chr1-10384843-G-A.
Other names: c.2565G>A, p.Met855Ile (NM_001365952.1); c.2427G>A, p.Met809Ile (NM_015074.3); short protein forms M809I, M855I.
Identifiers: ClinVar variation 1791106 (VCV001791106.2), dbSNP rs1557714854, ClinGen allele CA338335482.

ClinVar aggregate classification (germline): Uncertain significance (1 of 4 stars; one submission).

Allele frequency attached by ClinVar (database versions not stated): gnomAD exomes below 0.00001; TOPMed below 0.00001; gnomAD 0.00001.
gnomAD v4.1: 2 of 1,613,956 alleles (0.00012%); highest among the groups gnomAD compares: South Asian, 0.0011%; no homozygotes.

Submission:

Ambry Genetics
Classification: Uncertain significance. Last evaluated: 2022-06-17. Review status: criteria provided, single submitter. Criteria: Ambry Variant Classification Scheme 2023. Collection method: clinical testing. Allele origin: germline.
Comment: The p.M809I variant (also known as c.2427G>A), located in coding exon 23 of the KIF1B gene, results from a G to A substitution at nucleotide position 2427. The methionine at codon 809 is replaced by isoleucine, an amino acid with highly similar properties. This amino acid position is highly conserved in available vertebrate species. In addition, this alteration is predicted to be deleterious by in silico analysis. Since supporting evidence is limited at this time, the clinical significance of this alteration remains unclear.